The following is an entry in ClinVar:

ClinVar aggregate classification (germline): Uncertain significance (1 of 4 stars; one submission).

Submission:

GeneDx
Classification: Uncertain significance. Last evaluated: 2026-04-06. Review status: criteria provided, single submitter. Criteria: GeneDx Variant Classification Process June 2021. Collection method: clinical testing. Allele origin: germline.
Comment: In silico analysis supports that this missense variant has a deleterious effect on protein structure/function; Has not been previously published as pathogenic or benign to our knowledge

NM_001355436.2(SPTB):c.4997G>A (p.Gly1666Glu)

Gene: SPTB (spectrin beta, erythrocytic; minus strand). Cytogenetic location: 14q23.3.
Variant type: single nucleotide variant.
Coding change: c.4997G>A on transcript NM_001355436.2 (MANE Select); coding-DNA position 4997, G replaced by A.
Protein change: p.Gly1666Glu; replaces glycine 1666 with glutamic acid.
Molecular consequence: missense variant.
Genome position (GRCh38, 1-based): chr14:64,773,401, C>T on the plus strand (G>A on the coding strand, the complement: SPTB is on the minus strand). VCF-style: chr14-64773401-C-T. GRCh37 (hg19) VCF-style: chr14-65240119-C-T.
Other names: NM_000347.5:c.4997G>A; c.4997G>A, p.Gly1666Glu (NM_001024858.4, NM_001355437.2); short protein forms G1666E.
Identifiers: ClinVar variation 5018212 (VCV005018212.1).
Genomic context (GRCh38, chr14:64,773,401, plus strand): 5'-AGCTTGCGCTTGCGCTCTTCCGCCACGTCCTTCAGCCCTGCGTAGTGCTTGTCCACTTGC[C>T]CCTGAAGTCTGATGATCTGTTCCCTGGAATTCAAAACCAAAAAGGCCCTCAGAGACGGCA-3'
Protein context (NP_001342365.1, residues 1656-1676): PEGEQIIRLQ[Gly1666Glu]QVDKHYAGLK